The following is an entry in ClinVar:

ClinVar aggregate classification (germline): Uncertain significance (1 of 4 stars; one submission).

Submission:

Labcorp Genetics (formerly Invitae), Labcorp
Classification: Uncertain significance. Last evaluated: 2022-07-30. Review status: criteria provided, single submitter. Criteria: Invitae Variant Classification Sherloc (09022015). Collection method: clinical testing. Allele origin: germline.
Comment: In summary, the available evidence is currently insufficient to determine the role of this variant in disease. Therefore, it has been classified as a Variant of Uncertain Significance. Algorithms developed to predict the effect of missense changes on protein structure and function are either unavailable or do not agree on the potential impact of this missense change (SIFT: "Tolerated"; PolyPhen-2: "Probably Damaging"; Align-GVGD: "Class C0"). This variant has not been reported in the literature in individuals affected with MSH3-related conditions. This variant is not present in population databases (gnomAD no frequency). This sequence change replaces leucine, which is neutral and non-polar, with proline, which is neutral and non-polar, at codon 808 of the MSH3 protein (p.Leu808Pro).

NM_002439.5(MSH3):c.2423T>C (p.Leu808Pro)

Gene: MSH3 (mutS homolog 3; plus strand). Cytogenetic location: 5q14.1.
Variant type: single nucleotide variant.
Coding change: c.2423T>C on transcript NM_002439.5 (MANE Select); coding-DNA position 2423, T replaced by C.
Protein change: p.Leu808Pro; replaces leucine 808 with proline.
Molecular consequence: missense variant.
Genome position (GRCh38, 1-based): chr5:80,778,824, T>C. VCF-style: chr5-80778824-T-C. GRCh37 (hg19) VCF-style: chr5-80074643-T-C.
Other names: short protein forms L808P.
Identifiers: ClinVar variation 1714497 (VCV001714497.5), dbSNP rs1580045704, ClinGen allele CA360281919.